The following is an entry in ClinVar:

ClinVar aggregate classification (germline): Uncertain significance (1 of 4 stars; one submission).

Allele frequency attached by ClinVar (database versions not stated): ESP Exome Variant Server 0.00008; 1000 Genomes Project 30x 0.00047; 1000 Genomes Project 0.00060.
gnomAD v4.1: 144 of 1,614,084 alleles (0.0089%); highest among the groups gnomAD compares: Admixed American, 0.033%; no homozygotes.

Submission:

Labcorp Genetics (formerly Invitae), Labcorp
Classification: Uncertain significance. Last evaluated: 2022-02-28. Review status: criteria provided, single submitter. Criteria: Invitae Variant Classification Sherloc (09022015). Collection method: clinical testing. Allele origin: germline.
Comment: This sequence change replaces alanine, which is neutral and non-polar, with threonine, which is neutral and polar, at codon 1693 of the FAT4 protein (p.Ala1693Thr). This variant is present in population databases (rs200007224, gnomAD 0.03%). This variant has not been reported in the literature in individuals affected with FAT4-related conditions. Advanced modeling of protein sequence and biophysical properties (such as structural, functional, and spatial information, amino acid conservation, physicochemical variation, residue mobility, and thermodynamic stability) performed at Invitae indicates that this missense variant is not expected to disrupt FAT4 protein function. In summary, the available evidence is currently insufficient to determine the role of this variant in disease. Therefore, it has been classified as a Variant of Uncertain Significance.

NM_001291303.3(FAT4):c.5077G>A (p.Ala1693Thr)

Gene: FAT4 (FAT atypical cadherin 4; plus strand). Cytogenetic location: 4q28.1.
Variant type: single nucleotide variant.
Coding change: c.5077G>A on transcript NM_001291303.3 (MANE Select); coding-DNA position 5077, G replaced by A.
Protein change: p.Ala1693Thr; replaces alanine 1693 with threonine.
Molecular consequence: missense variant.
Genome position (GRCh38, 1-based): chr4:125,321,488, G>A. VCF-style: chr4-125321488-G-A. GRCh37 (hg19) VCF-style: chr4-126242643-G-A.
Other names: c.5077G>A, p.Ala1693Thr (NM_001291285.3, NM_024582.6); short protein forms A1693T.
Identifiers: ClinVar variation 2056027 (VCV002056027.1), dbSNP rs200007224, ClinGen allele CA3072574.